The following is an entry in ClinVar:

NM_000141.5(FGFR2):c.964A>G (p.Lys322Glu)

Gene: FGFR2 (fibroblast growth factor receptor 2; minus strand). Cytogenetic location: 10q26.13.
Variant type: single nucleotide variant.
Coding change: c.964A>G on transcript NM_000141.5 (MANE Select); coding-DNA position 964, A replaced by G.
Protein change: p.Lys322Glu; replaces lysine 322 with glutamic acid.
Molecular consequence: missense variant. On other transcripts: non-coding transcript variant (1), intron variant (7).
Genome position (GRCh38, 1-based): chr10:121,517,439, T>C on the plus strand (A>G on the coding strand, the complement: FGFR2 is on the minus strand). VCF-style: chr10-121517439-T-C. GRCh37 (hg19) VCF-style: chr10-123276953-T-C.
Other names: c.697A>G, p.Lys233Glu (NM_001144915.2, NM_001441089.1, NM_023029.3); c.619A>G, p.Lys207Glu (NM_001144916.2, NM_001144918.2, NM_001441090.1 and 1 more transcripts); c.280A>G, p.Lys94Glu (NM_001320654.2); c.964A>G, p.Lys322Glu (NM_001320658.2); c.749-2120A>G (NM_001144914.1); c.820+1243A>G (NM_001441088.1, NM_001144919.2); c.939+2540A>G (NM_001144917.2); c.1087+1243A>G (NM_001441087.1, NM_022970.4, NM_001144913.1); short protein forms K207E, K233E, K94E, K322E.
Identifiers: ClinVar variation 4692055 (VCV004692055.1).
Genomic context (GRCh38, chr10:121,517,439, plus strand): 5'-ACGTATATTCCCCAGCGTCCTCAAAAGTTACATTCCGAATATAGAGAACCTCAATCTCTT[T>C]GTCCGTGGTGTTAACACCGGCGGCCTAGAAAACAAGGGAAGCAAAAGAAAAGGCTAGACG-3'
Protein context (NP_000132.3, residues 312-332): LKAAGVNTTD[Lys322Glu]EIEVLYIRNV

ClinVar aggregate classification (germline): Uncertain significance (1 of 4 stars; one submission).

Conditions:
FGFR2-related craniosynostosis. Identifiers: MedGen CN231480.

Submission:

Labcorp Genetics (formerly Invitae), Labcorp
Classification: Uncertain significance for FGFR2-related craniosynostosis. Last evaluated: 2025-08-31. Review status: criteria provided, single submitter. Criteria: Invitae Variant Classification Sherloc (09022015). Collection method: clinical testing. Allele origin: germline.
Comment: This sequence change replaces lysine, which is basic and polar, with glutamic acid, which is acidic and polar, at codon 322 of the FGFR2 protein (p.Lys322Glu). This variant is not present in population databases (gnomAD no frequency). This variant has not been reported in the literature in individuals affected with FGFR2-related conditions. Invitae Evidence Modeling of protein sequence and biophysical properties (such as structural, functional, and spatial information, amino acid conservation, physicochemical variation, residue mobility, and thermodynamic stability) has been performed for this missense variant. However, the output from this modeling did not meet the statistical confidence thresholds required to predict the impact of this variant on FGFR2 protein function. In summary, the available evidence is currently insufficient to determine the role of this variant in disease. Therefore, it has been classified as a Variant of Uncertain Significance.